The following is an entry in ClinVar:

NM_015047.3(EMC1):c.259G>A (p.Val87Met)

Gene: EMC1 (ER membrane protein complex subunit 1; minus strand). Cytogenetic location: 1p36.13.
Variant type: single nucleotide variant.
Coding change: c.259G>A on transcript NM_015047.3 (MANE Select); coding-DNA position 259, G replaced by A.
Protein change: p.Val87Met; replaces valine 87 with methionine.
Molecular consequence: missense variant. On other transcripts: intron variant (1).
Genome position (GRCh38, 1-based): chr1:19,243,977, C>T on the plus strand (G>A on the coding strand, the complement: EMC1 is on the minus strand). VCF-style: chr1-19243977-C-T. GRCh37 (hg19) VCF-style: chr1-19570471-C-T.
Other names: c.259G>A, p.Val87Met (NM_001271427.2, NM_001271428.2, NM_001375820.1 and 1 more transcripts); c.221-270G>A (NM_001271429.2); short protein forms V87M.
Identifiers: ClinVar variation 4802940 (VCV004802940.1).

ClinVar aggregate classification (germline): Uncertain significance (1 of 4 stars; one submission).

Submission:

Labcorp Genetics (formerly Invitae), Labcorp
Classification: Uncertain significance. Last evaluated: 2025-12-13. Review status: criteria provided, single submitter. Criteria: Invitae Variant Classification Sherloc (09022015). Collection method: clinical testing. Allele origin: germline.
Comment: This sequence change replaces valine, which is neutral and non-polar, with methionine, which is neutral and non-polar, at codon 87 of the EMC1 protein (p.Val87Met). This variant is not present in population databases (gnomAD no frequency). This variant has not been reported in the literature in individuals affected with EMC1-related conditions. Invitae Evidence Modeling of protein sequence and biophysical properties (such as structural, functional, and spatial information, amino acid conservation, physicochemical variation, residue mobility, and thermodynamic stability) indicates that this missense variant is expected to disrupt EMC1 protein function with a positive predictive value of 80%. In summary, the available evidence is currently insufficient to determine the role of this variant in disease. Therefore, it has been classified as a Variant of Uncertain Significance.